The following is an entry in ClinVar:

ClinVar aggregate classification (germline): Uncertain significance (1 of 4 stars; one submission).

Submission:

CeGaT Center for Human Genetics Tuebingen
Classification: Uncertain significance. Last evaluated: 2025-03-01. Review status: criteria provided, single submitter. Criteria: CeGaT Center For Human Genetics Tuebingen Variant Classification Criteria Version 2. Collection method: clinical testing. Allele origin: germline. Affected: yes. Observed: 1 variant allele.
Comment: ASH1L: PM2

NM_018489.3(ASH1L):c.7564G>A (p.Gly2522Arg)

Gene: ASH1L (ASH1 like histone lysine methyltransferase; minus strand). Cytogenetic location: 1q22.
Variant type: single nucleotide variant.
Coding change: c.7564G>A on transcript NM_018489.3 (MANE Select); coding-DNA position 7564, G replaced by A.
Protein change: p.Gly2522Arg; replaces glycine 2522 with arginine.
Molecular consequence: missense variant.
Genome position (GRCh38, 1-based): chr1:155,347,895, C>T on the plus strand (G>A on the coding strand, the complement: ASH1L is on the minus strand). VCF-style: chr1-155347895-C-T. GRCh37 (hg19) VCF-style: chr1-155317686-C-T.
Other names: c.7579G>A, p.Gly2527Arg (NM_001366177.2); short protein forms G2522R, G2527R.
Identifiers: ClinVar variation 3778519 (VCV003778519.7).